The following is an entry in ClinVar:

ClinVar aggregate classification (germline): Uncertain significance (1 of 4 stars; one submission).

Conditions:
Combined oxidative phosphorylation defect type 27. Also called: Combined oxidative phosphorylation deficiency 27. Identifiers: Orphanet 477774, MedGen C5567608, MONDO:0014728, OMIM 616672.

Allele frequency attached by ClinVar (database versions not stated): gnomAD exomes below 0.00001 and 0.00001; ExAC 0.00001.
gnomAD v4.1: 3 of 1,614,074 alleles (0.00019%); highest among the groups gnomAD compares: Admixed American, 0.0017%; no homozygotes.

Submission:

Labcorp Genetics (formerly Invitae), Labcorp
Classification: Uncertain significance for Combined oxidative phosphorylation defect type 27. Last evaluated: 2020-01-21. Review status: criteria provided, single submitter. Criteria: Invitae Variant Classification Sherloc (09022015). Collection method: clinical testing. Allele origin: germline.
Comment: This sequence change replaces methionine with isoleucine at codon 318 of the CARS2 protein (p.Met318Ile). The methionine residue is highly conserved and there is a small physicochemical difference between methionine and isoleucine. This variant is present in population databases (rs767180583, ExAC 0.009%). This variant has not been reported in the literature in individuals with CARS2-related conditions. Algorithms developed to predict the effect of missense changes on protein structure and function are either unavailable or do not agree on the potential impact of this missense change (SIFT: "Deleterious"; PolyPhen-2: "Probably Damaging"; Align-GVGD: "Class C0"). In summary, the available evidence is currently insufficient to determine the role of this variant in disease. Therefore, it has been classified as a Variant of Uncertain Significance.

NM_024537.4(CARS2):c.954G>A (p.Met318Ile)

Gene: CARS2 (cysteinyl-tRNA synthetase 2, mitochondrial; minus strand). Cytogenetic location: 13q34.
Variant type: single nucleotide variant.
Coding change: c.954G>A on transcript NM_024537.4 (MANE Select); coding-DNA position 954, G replaced by A.
Protein change: p.Met318Ile; replaces methionine 318 with isoleucine.
Molecular consequence: missense variant. On other transcripts: 3 prime UTR variant (1), non-coding transcript variant (2).
Genome position (GRCh38, 1-based): chr13:110,663,484, C>T on the plus strand (G>A on the coding strand, the complement: CARS2 is on the minus strand). VCF-style: chr13-110663484-C-T. GRCh37 (hg19) VCF-style: chr13-111315831-C-T.
Other names: c.168G>A, p.Met56Ile (NM_001352252.2); c.*426G>A (NM_001352253.3); short protein forms M56I, M318I.
Identifiers: ClinVar variation 961111 (VCV000961111.8), dbSNP rs767180583, ClinGen allele CA7052020.